The following is an entry in ClinVar:

NM_001142864.4(PIEZO1):c.3700-35GCCCCGCTG[4]

Gene: PIEZO1 (piezo type mechanosensitive ion channel component 1 (Er blood group); minus strand). Cytogenetic location: 16q24.3.
Variant type: Microsatellite.
Coding change: c.3700-35GCCCCGCTG[4] on transcript NM_001142864.4 (MANE Select); four copies in a row of the 9-base unit GCCCCGCTG starting at c.3700-35; the reference has two copies in a row; two copies, 18 bases duplicated.
Molecular consequence: intron variant.
Genome position (GRCh38, 1-based): chr16:88,726,661-88,726,678, CAGCGGGGCCAGCGGGGC duplicated on the plus strand (GCCCCGCTGGCCCCGCTG on the coding strand, the reverse complement: PIEZO1 is on the minus strand); duplicating any 18 consecutive bases within chr16:88,726,661-88,726,679 gives the same sequence; the position shown is the placement nearest the transcript's 3' end. VCF-style (leftmost placement, unchanged base first): chr16-88726660-T-TCAGCGGGGCCAGCGGGGC. GRCh37 (hg19) VCF-style: chr16-88793068-T-TCAGCGGGGCCAGCGGGGC.
Identifiers: ClinVar variation 4708968 (VCV004708968.1).
Genomic context (GRCh38, chr16:88,726,660, plus strand): 5'-CAGAAGCCGGTCTGCATCTGCTCCACGAAGACGCAGGCCAGGAGCTGGGGGAGAGCAGGG[T>TCAGCGGGGCCAGCGGGGC]CAGCGGGGCCAGCGGGGCCCCAGGGCGGTGGGTGCGGGGGGGCCGGAGGCTCACCGACAG-3'

ClinVar aggregate classification (germline): Uncertain significance (1 of 4 stars; one submission).

Submission:

Labcorp Genetics (formerly Invitae), Labcorp
Classification: Uncertain significance. Last evaluated: 2025-10-09. Review status: criteria provided, single submitter. Criteria: Invitae Variant Classification Sherloc (09022015). Collection method: clinical testing. Allele origin: germline.
Comment: This sequence change falls in intron 25 of the PIEZO1 gene. It does not directly change the encoded amino acid sequence of the PIEZO1 protein. This variant is not present in population databases (gnomAD no frequency). This variant has not been reported in the literature in individuals affected with PIEZO1-related conditions. Experimental studies and prediction algorithms are not available or were not evaluated, and the effect of this variant on mRNA splicing is currently unknown. In summary, the available evidence is currently insufficient to determine the role of this variant in disease. Therefore, it has been classified as a Variant of Uncertain Significance.